The following is an entry in ClinVar:

ClinVar aggregate classification (germline): Uncertain significance. Review status: criteria provided, multiple submitters, no conflicts (2 of 4 stars). 4 submissions from 4 submitters: Uncertain significance (4). Last evaluated 2025-02-04.

Conditions:
Hyperkalemic periodic paralysis. Also called: Familial hyperkalemic periodic paralysis; Gamstorp disease. Identifiers: Orphanet 682, MedGen C0238357, MONDO:0008224, OMIM 170500, HP:0007215.

Allele frequency attached by ClinVar (database versions not stated): gnomAD exomes 0.00001; TOPMed 0.00001.

Submissions (4):

Labcorp Genetics (formerly Invitae), Labcorp
Classification: Uncertain significance for Hyperkalemic periodic paralysis. Last evaluated: 2025-02-04. Review status: criteria provided, single submitter. Criteria: Invitae Variant Classification Sherloc (09022015). Collection method: clinical testing. Allele origin: germline.
Comment: This sequence change replaces serine, which is neutral and polar, with leucine, which is neutral and non-polar, at codon 513 of the SCN4A protein (p.Ser513Leu). The frequency data for this variant in the population databases is considered unreliable, as metrics indicate poor data quality at this position in the gnomAD database. This variant has not been reported in the literature in individuals affected with SCN4A-related conditions. ClinVar contains an entry for this variant (Variation ID: 939549). Invitae Evidence Modeling of protein sequence and biophysical properties (such as structural, functional, and spatial information, amino acid conservation, physicochemical variation, residue mobility, and thermodynamic stability) indicates that this missense variant is not expected to disrupt SCN4A protein function with a negative predictive value of 95%. In summary, the available evidence is currently insufficient to determine the role of this variant in disease. Therefore, it has been classified as a Variant of Uncertain Significance.

Revvity Omics, Revvity
Classification: Uncertain significance. Last evaluated: 2024-11-20. Review status: criteria provided, single submitter. Criteria: ACMG Guidelines, 2015. Collection method: clinical testing. Allele origin: germline.

GeneDx
Classification: Uncertain significance. Last evaluated: 2024-11-19. Review status: criteria provided, single submitter. Criteria: GeneDx Variant Classification Process June 2021. Collection method: clinical testing. Allele origin: germline. Affected: yes.
Comment: Not observed at significant frequency in large population cohorts (gnomAD); In silico analysis indicates that this missense variant does not alter protein structure/function; Has not been previously published as pathogenic or benign to our knowledge

Blueprint Genetics
Classification: Uncertain significance. Last evaluated: 2024-11-07. Review status: criteria provided, single submitter. Criteria: ACMG Guidelines, 2015. Collection method: clinical testing. Allele origin: germline.

NM_000334.4(SCN4A):c.1538C>T (p.Ser513Leu)

Gene: SCN4A (sodium voltage-gated channel alpha subunit 4; minus strand). Cytogenetic location: 17q23.3.
Variant type: single nucleotide variant.
Coding change: c.1538C>T on transcript NM_000334.4 (MANE Select); coding-DNA position 1538, C replaced by T.
Protein change: p.Ser513Leu; replaces serine 513 with leucine.
Molecular consequence: missense variant.
Genome position (GRCh38, 1-based): chr17:63,963,740, G>A on the plus strand (C>T on the coding strand, the complement: SCN4A is on the minus strand). VCF-style: chr17-63963740-G-A. GRCh37 (hg19) VCF-style: chr17-62041100-G-A.
Other names: short protein forms S513L.
Identifiers: ClinVar variation 939549 (VCV000939549.13), dbSNP rs1227159244, ClinGen allele CA400634545.